The following is an entry in ClinVar:

ClinVar aggregate classification (germline): Uncertain significance (1 of 4 stars; one submission).

Submission:

GeneDx
Classification: Uncertain significance. Last evaluated: 2025-10-16. Review status: criteria provided, single submitter. Criteria: GeneDx Variant Classification Process June 2021. Collection method: clinical testing. Allele origin: germline. Affected: yes.
Comment: Not observed at significant frequency in large population cohorts (gnomAD); In silico analysis suggests that this missense variant does not alter protein structure/function; Has not been previously published as pathogenic or benign to our knowledge

NM_005445.4(SMC3):c.1148G>C (p.Ser383Thr)

Gene: SMC3 (structural maintenance of chromosomes 3; plus strand). Cytogenetic location: 10q25.2.
Variant type: single nucleotide variant.
Coding change: c.1148G>C on transcript NM_005445.4 (MANE Select); coding-DNA position 1148, G replaced by C.
Protein change: p.Ser383Thr; replaces serine 383 with threonine.
Molecular consequence: missense variant.
Genome position (GRCh38, 1-based): chr10:110,584,239, G>C. VCF-style: chr10-110584239-G-C. GRCh37 (hg19) VCF-style: chr10-112343997-G-C.
Other names: short protein forms S383T.
Identifiers: ClinVar variation 2574556 (VCV002574556.2), dbSNP rs2493117632, ClinGen allele CA378383220.